The following is an entry in ClinVar:

ClinVar aggregate classification (germline): Likely benign (1 of 4 stars; one submission).

gnomAD v4.1: 1 of 1,614,002 alleles (0.000062%); highest among the groups gnomAD compares: Non-Finnish European, 0.000085%; no homozygotes.

Submission:

Mayo Clinic Laboratories, Mayo Clinic
Classification: Likely benign. Last evaluated: 2025-10-28. Review status: criteria provided, single submitter. Criteria: ACMG Guidelines, 2015. Collection method: clinical testing. Allele origin: germline. Observed: 1 variant allele.
Comment: BP4, BP7

NM_001256071.3(RNF213):c.9174A>C (p.Thr3058=)

Gene: RNF213 (ring finger protein 213; plus strand). Cytogenetic location: 17q25.3.
Variant type: single nucleotide variant.
Coding change: c.9174A>C on transcript NM_001256071.3 (MANE Select); coding-DNA position 9174, A replaced by C.
Protein change: p.Thr3058=; no amino-acid change (threonine 3058 retained).
Molecular consequence: synonymous variant.
Genome position (GRCh38, 1-based): chr17:80,347,509, A>C. VCF-style: chr17-80347509-A-C. GRCh37 (hg19) VCF-style: chr17-78321309-A-C.
Other names: p.Thr3058=; c.9321A>C, p.Thr3107= (NM_001410195.1, NM_020914.5).
Identifiers: ClinVar variation 4684269 (VCV004684269.1).